The following is an entry in ClinVar:

NM_000203.5(IDUA):c.349del (p.Tyr117fs)

Gene: IDUA (alpha-L-iduronidase; plus strand). Cytogenetic location: 4p16.3.
Variant type: Deletion.
Coding change: c.349del on transcript NM_000203.5 (MANE Select); coding-DNA position 349, one base deleted (T; older notation c.349delT).
Protein change: p.Tyr117fs; shifts the reading frame from tyrosine 117.
Molecular consequence: frameshift variant. On other transcripts: 5 prime UTR variant (1), non-coding transcript variant (1).
Genome position (GRCh38, 1-based): chr4:1,000,661, T deleted. VCF-style (leftmost placement, unchanged base first): chr4-1000660-GT-G. GRCh37 (hg19) VCF-style: chr4-994448-GT-G.
Other names: NM_000203.5(IDUA):c.349del; p.Tyr117fs; c.-48del (NM_001363576.1); c.349delT (NM_000203.4); short protein forms Y117fs.
Identifiers: ClinVar variation 1451219 (VCV001451219.9), dbSNP rs2153021628, ClinGen allele CA2573137553.
Genomic context (GRCh38, chr4:1,000,660, plus strand): 5'-GTCCTTCTGCAGGGGGTCCACTGGACGGGGCCTGAGCTACAACTTCACCCACCTGGACGG[GT>G]ACCTGGACCTTCTCAGGGAGAACCAGCTCCTCCCAGGTGAGCTGTGGGCTCTGCCCTCCC-3'

ClinVar aggregate classification (germline): Pathogenic. Review status: reviewed by expert panel (3 of 4 stars). 3 submissions from 3 submitters: Pathogenic (1). 2 of the submissions do not count toward it. Last evaluated 2025-12-15.

Conditions:
Mucopolysaccharidosis type 1. Also called: Mucopolysaccharidosis Type I; IDUA deficiency; MPS I. Identifiers: Orphanet 579, MedGen C0023786, MONDO:0001586.

Submissions (3):

ClinGen Lysosomal Storage Disorder Variant Curation Expert Panel
Classification: Pathogenic for Mucopolysaccharidosis type 1. Last evaluated: 2025-12-15. Review status: reviewed by expert panel. Criteria: ClinGen LSD ACMG Specifications IDUA V1.1.0. Collection method: curation. Allele origin: germline. Inheritance: Autosomal recessive inheritance.
Comment: The NM_000203.5:c.349delT (p.Tyr117ThrfsTer16) variant in IDUA is a frameshift variant predicted to cause a premature stop codon in biologically-relevant-exon 3 out of 14, leading to nonsense mediated decay in a gene in which loss-of-function is an established disease mechanism (PVS1). This variant is absent in gnomAD v4.1.0 (PM2_Supporting). A patient with this variant had documented IDUA deficiency within the affected range in leukocytes, and clinical features specific to MPS I including hepatosplenomegaly and arthropathy (PMID: 21480867) (PP4). This patient is compound heterozygous for c.349delT and c.1898C>T (p.Ser633Leu); ClinVarID: 556406 (PMID: 21480867). The allelic data for this patient will be used to support the classification of c.1898C>T and is not included here in order to avoid circular logic. There is a ClinVar ID for the variant under assessment (ClinVar ID: 1451219). In summary, this variant meets the criteria to be classified as pathogenic for mucopolysaccharidosis type I, based on the IDUA-specific ACMG/AMP criteria applied, as specified by the ClinGen Lysosomal Diseases Variant Curation Expert Panel (Specifications Version 1.1.0): PVS1, PM2_Supporting, PP4. (Classification approved by the ClinGen Lysosomal Diseases Variant Curation Expert Panel on December 15, 2025)

Natera, Inc.
Classification: Pathogenic for Mucopolysaccharidosis type I. Last evaluated: 2024-06-21. Review status: criteria provided, single submitter. Criteria: Natera Variant Classification Schema (03/2026). Collection method: clinical testing. Allele origin: germline. Not counted in ClinVar's aggregate classification.
Comment: The c.349delT variant in IDUA is a frameshift variant predicted to shift the reading frame beginning at codon 117 and leads to a stop codon 16 codons downstream. This variant is expected to result in nonsense mediated decay, truncation, or a dysfunctional protein product. This variant is rare in the general population with a frequency below the threshold expected for the associated phenotype(s). This variant has been observed in one or more individuals affected with the associated recessive disease, as either homozygous or compound heterozygous with a second variant (PMID: 21480867). Given the available evidence, this variant is classified as Pathogenic.

Labcorp Genetics (formerly Invitae), Labcorp
Classification: Pathogenic for Mucopolysaccharidosis type 1. Last evaluated: 2021-03-22. Review status: criteria provided, single submitter. Criteria: Invitae Variant Classification Sherloc (09022015). Collection method: clinical testing. Allele origin: germline. Not counted in ClinVar's aggregate classification.
Comment: This sequence change creates a premature translational stop signal (p.Tyr117Thrfs*16) in the IDUA gene. It is expected to result in an absent or disrupted protein product. Loss-of-function variants in IDUA are known to be pathogenic (PMID: 11735025, 21480867). This variant is not present in population databases (ExAC no frequency). This variant has been observed in individual(s) with mucopolysaccharidosis type I (PMID: 21480867). For these reasons, this variant has been classified as Pathogenic.

Literature cited by the submitters: PubMed 21480867 (cited by Natera, Inc. and Labcorp Genetics (formerly Invitae), Labcorp); PubMed 11735025 (cited by Labcorp Genetics (formerly Invitae), Labcorp).